The following is an entry in ClinVar:

NM_001164277.2(SLC37A4):c.760G>A (p.Glu254Lys)

Gene: SLC37A4 (solute carrier family 37 member 4; minus strand). Cytogenetic location: 11q23.3.
Variant type: single nucleotide variant.
Coding change: c.760G>A on transcript NM_001164277.2 (MANE Select); coding-DNA position 760, G replaced by A.
Protein change: p.Glu254Lys; replaces glutamic acid 254 with lysine.
Molecular consequence: missense variant.
Genome position (GRCh38, 1-based): chr11:119,026,961, C>T on the plus strand (G>A on the coding strand, the complement: SLC37A4 is on the minus strand). VCF-style: chr11-119026961-C-T. GRCh37 (hg19) VCF-style: chr11-118897671-C-T.
Other names: c.760G>A, p.Glu254Lys (NM_001164278.2, NM_001164280.2, NM_001467.6); c.541G>A, p.Glu181Lys (NM_001164279.2); short protein forms E254K, E181K.
Identifiers: ClinVar variation 558409 (VCV000558409.4), dbSNP rs1555191060, ClinGen allele CA382900947.

ClinVar aggregate classification (germline): Uncertain significance. Review status: criteria provided, single submitter (1 of 4 stars). 2 submissions from 2 submitters: Uncertain significance (1). 1 of the submissions does not count toward it. Last evaluated 2024-10-30.

Conditions:
Glucose-6-phosphate transport defect (GSD1B). Also called: Glycogen Storage Disease Type Ib; GSD Ib. Identifiers: Orphanet 364, Orphanet 79259, MedGen C0268146, MONDO:0009288, OMIM 232220.

Submissions (2):

Labcorp Genetics (formerly Invitae), Labcorp
Classification: Uncertain significance for Glucose-6-phosphate transport defect. Last evaluated: 2024-10-30. Review status: criteria provided, single submitter. Criteria: Invitae Variant Classification Sherloc (09022015). Collection method: clinical testing. Allele origin: germline.
Comment: This sequence change replaces glutamic acid, which is acidic and polar, with lysine, which is basic and polar, at codon 254 of the SLC37A4 protein (p.Glu254Lys). This variant is not present in population databases (gnomAD no frequency). This variant has not been reported in the literature in individuals affected with SLC37A4-related conditions. ClinVar contains an entry for this variant (Variation ID: 558409). Invitae Evidence Modeling of protein sequence and biophysical properties (such as structural, functional, and spatial information, amino acid conservation, physicochemical variation, residue mobility, and thermodynamic stability) indicates that this missense variant is expected to disrupt SLC37A4 protein function with a positive predictive value of 80%. In summary, the available evidence is currently insufficient to determine the role of this variant in disease. Therefore, it has been classified as a Variant of Uncertain Significance.

Counsyl
Classification: Uncertain significance for Glucose-6-phosphate transport defect. Last evaluated: 2018-05-18. Review status: no assertion criteria provided. Collection method: clinical testing. Allele origin: unknown. Not counted in ClinVar's aggregate classification.